The following is an entry in ClinVar:

ClinVar aggregate classification (germline): Uncertain significance (1 of 4 stars; one submission).

Conditions:
Autosomal dominant limb-girdle muscular dystrophy type 1F (LGMDD2). Also called: Limb-girdle muscular dystrophy, type 1F; MUSCULAR DYSTROPHY, LIMB-GIRDLE, AUTOSOMAL DOMINANT 2. Identifiers: Orphanet 55595, MedGen C1842062, MONDO:0012034, OMIM 608423.

Submission:

Labcorp Genetics (formerly Invitae), Labcorp
Classification: Uncertain significance for Autosomal dominant limb-girdle muscular dystrophy type 1F. Last evaluated: 2023-12-07. Review status: criteria provided, single submitter. Criteria: Invitae Variant Classification Sherloc (09022015). Collection method: clinical testing. Allele origin: germline.
Comment: This sequence change replaces aspartic acid, which is acidic and polar, with glutamic acid, which is acidic and polar, at codon 917 of the TNPO3 protein (p.Asp917Glu). This variant is not present in population databases (gnomAD no frequency). This variant has not been reported in the literature in individuals affected with TNPO3-related conditions. An algorithm developed to predict the effect of missense changes on protein structure and function (PolyPhen-2) suggests that this variant is likely to be tolerated. In summary, the available evidence is currently insufficient to determine the role of this variant in disease. Therefore, it has been classified as a Variant of Uncertain Significance.

NM_012470.4(TNPO3):c.2751C>A (p.Asp917Glu)

Gene: TNPO3 (transportin 3; minus strand). Cytogenetic location: 7q32.1.
Variant type: single nucleotide variant.
Coding change: c.2751C>A on transcript NM_012470.4 (MANE Select); coding-DNA position 2751, C replaced by A.
Protein change: p.Asp917Glu; replaces aspartic acid 917 with glutamic acid.
Molecular consequence: missense variant. On other transcripts: non-coding transcript variant (18), intron variant (2).
Genome position (GRCh38, 1-based): chr7:128,957,276, G>T on the plus strand (C>A on the coding strand, the complement: TNPO3 is on the minus strand). VCF-style: chr7-128957276-G-T. GRCh37 (hg19) VCF-style: chr7-128597330-G-T.
Other names: c.2559C>A, p.Asp853Glu (NM_001191028.3); c.2853C>A, p.Asp951Glu (NM_001382216.1); c.2832C>A, p.Asp944Glu (NM_001382217.1); c.2643C>A, p.Asp881Glu (NM_001382219.1); c.2610C>A, p.Asp870Glu (NM_001382220.1); c.2607C>A, p.Asp869Glu (NM_001382221.1); c.2604C>A, p.Asp868Glu (NM_001382222.1); c.2520-1891C>A (NM_001382223.1); and 1 more; short protein forms D881E, D869E, D917E, D868E, D870E, D944E, D853E, D951E.
Identifiers: ClinVar variation 3017913 (VCV003017913.3), dbSNP rs1796994401, ClinGen allele CA369245751.
Genomic context (GRCh38, chr7:128,957,276, plus strand): 5'-ATCCTCACCTGGGTGACAGGCACAGTGCAGGAGTGTGAGCTATCGAAACAACCTGGTGAA[G>T]TCTCGCAAGGCCCAGCAAACTTGTTTACATTCCTCAGCACTAGAAAAGAAAAGGTAGGTT-3'
Protein context (NP_036602.1, residues 907-923): ECKQVCWALR[Asp917Glu]FTRLFR